The following is an entry in ClinVar:

ClinVar aggregate classification (germline): Uncertain significance (1 of 4 stars; one submission).

Allele frequency attached by ClinVar (database versions not stated): ExAC 0.00001; gnomAD 0.00001 and 0.00002; gnomAD exomes 0.00001 and 0.00002; TOPMed 0.00001; 1000 Genomes Project 30x 0.00016; 1000 Genomes Project 0.00020.
gnomAD v4.1: 14 of 1,614,074 alleles (0.00087%); highest among the groups gnomAD compares: African/African-American, 0.0093%; no homozygotes.

Submission:

Labcorp Genetics (formerly Invitae), Labcorp
Classification: Uncertain significance. Last evaluated: 2022-07-19. Review status: criteria provided, single submitter. Criteria: Invitae Variant Classification Sherloc (09022015). Collection method: clinical testing. Allele origin: germline.
Comment: In summary, the available evidence is currently insufficient to determine the role of this variant in disease. Therefore, it has been classified as a Variant of Uncertain Significance. Algorithms developed to predict the effect of missense changes on protein structure and function are either unavailable or do not agree on the potential impact of this missense change (SIFT: "Not Available"; PolyPhen-2: "Probably Damaging"; Align-GVGD: "Not Available"). ClinVar contains an entry for this variant (Variation ID: 834361). This variant has not been reported in the literature in individuals affected with CDH3-related conditions. This variant is present in population databases (rs536421237, gnomAD 0.01%). This sequence change replaces glycine with serine at codon 755 of the CDH3 protein (p.Gly755Ser). The glycine residue is highly conserved and there is a small physicochemical difference between glycine and serine.

NM_001793.6(CDH3):c.2263G>A (p.Gly755Ser)

Gene: CDH3 (cadherin 3; plus strand). Cytogenetic location: 16q22.1.
Variant type: single nucleotide variant.
Coding change: c.2263G>A on transcript NM_001793.6 (MANE Select); coding-DNA position 2263, G replaced by A.
Protein change: p.Gly755Ser; replaces glycine 755 with serine.
Molecular consequence: missense variant.
Genome position (GRCh38, 1-based): chr16:68,695,906, G>A. VCF-style: chr16-68695906-G-A. GRCh37 (hg19) VCF-style: chr16-68729809-G-A.
Other names: c.2263G>A, p.Gly755Ser (NM_001317195.3); c.2098G>A, p.Gly700Ser (NM_001317196.2); short protein forms G700S, G755S.
Identifiers: ClinVar variation 834361 (VCV000834361.7), dbSNP rs536421237, ClinGen allele CA8129633.